The following is an entry in ClinVar:

ClinVar aggregate classification (germline): Uncertain significance (1 of 4 stars; one submission).

Conditions:
Autoimmune lymphoproliferative syndrome type 2A (ALPS2A). Also called: CASP10-Related Autoimmune Lymphoproliferative Syndrome; AUTOIMMUNE LYMPHOPROLIFERATIVE SYNDROME, TYPE IIA; Autoimmune lymphoproliferative syndrome type 2. Identifiers: Orphanet 3261, MedGen C1858968, MONDO:0011383, OMIM 603909.

Submission:

Labcorp Genetics (formerly Invitae), Labcorp
Classification: Uncertain significance for Autoimmune lymphoproliferative syndrome type 2A. Last evaluated: 2025-08-17. Review status: criteria provided, single submitter. Criteria: Invitae Variant Classification Sherloc (09022015). Collection method: clinical testing. Allele origin: germline.
Comment: This sequence change creates a premature translational stop signal (p.Glu433*) in the CASP10 gene. It is expected to result in an absent or disrupted protein product. However, the current clinical and genetic evidence is not sufficient to establish whether loss-of-function variants in CASP10 cause disease. This variant is not present in population databases (gnomAD no frequency). This variant has not been reported in the literature in individuals affected with CASP10-related conditions. Experimental studies and prediction algorithms are not available or were not evaluated, and the functional significance of this variant is currently unknown. In summary, the available evidence is currently insufficient to determine the role of this variant in disease. Therefore, it has been classified as a Variant of Uncertain Significance.

NM_032977.4(CASP10):c.1297G>T (p.Glu433Ter)

Gene: CASP10 (caspase 10; plus strand). Cytogenetic location: 2q33.1.
Variant type: single nucleotide variant.
Coding change: c.1297G>T on transcript NM_032977.4 (MANE Select); coding-DNA position 1297, G replaced by T.
Protein change: p.Glu433Ter; replaces glutamic acid 433 with a stop codon.
Molecular consequence: nonsense. On other transcripts: 3 prime UTR variant (1).
Genome position (GRCh38, 1-based): chr2:201,209,444, G>T. VCF-style: chr2-201209444-G-T. GRCh37 (hg19) VCF-style: chr2-202074167-G-T.
Other names: c.1096G>T, p.Glu366Ter (NM_001206524.2); c.1168G>T, p.Glu390Ter (NM_001206542.2, NM_001230.5); c.1297G>T, p.Glu433Ter (NM_032974.5); c.*383G>T (NM_032976.4); short protein forms E390*, E366*, E433*.
Identifiers: ClinVar variation 4784276 (VCV004784276.1).